The following is an entry in ClinVar:

NM_181426.2(CCDC39):c.2152C>G (p.Pro718Ala)

Gene: CCDC39 (coiled-coil domain 39 molecular ruler complex subunit; minus strand). Cytogenetic location: 3q26.33.
Variant type: single nucleotide variant.
Coding change: c.2152C>G on transcript NM_181426.2 (MANE Select); coding-DNA position 2152, C replaced by G.
Protein change: p.Pro718Ala; replaces proline 718 with alanine.
Molecular consequence: missense variant.
Genome position (GRCh38, 1-based): chr3:180,619,817, G>C on the plus strand (C>G on the coding strand, the complement: CCDC39 is on the minus strand). VCF-style: chr3-180619817-G-C. GRCh37 (hg19) VCF-style: chr3-180337605-G-C.
Other names: short protein forms P718A.
Identifiers: ClinVar variation 3687661 (VCV003687661.2).

ClinVar aggregate classification (germline): Uncertain significance (1 of 4 stars; one submission).

Conditions:
Primary ciliary dyskinesia. Also called: Ciliary dyskinesia. Identifiers: Orphanet 244, MedGen C0008780, MONDO:0016575, HP:0012265.

gnomAD v4.1: 2 of 1,583,592 alleles (0.00013%); highest among the groups gnomAD compares: East Asian, 0.0045%; no homozygotes.

Submission:

Labcorp Genetics (formerly Invitae), Labcorp
Classification: Uncertain significance for Primary ciliary dyskinesia. Last evaluated: 2024-11-11. Review status: criteria provided, single submitter. Criteria: Invitae Variant Classification Sherloc (09022015). Collection method: clinical testing. Allele origin: germline.
Comment: This sequence change replaces proline, which is neutral and non-polar, with alanine, which is neutral and non-polar, at codon 718 of the CCDC39 protein (p.Pro718Ala). This variant is present in population databases (no rsID available, gnomAD 0.01%). This variant has not been reported in the literature in individuals affected with CCDC39-related conditions. An algorithm developed to predict the effect of missense changes on protein structure and function (PolyPhen-2) suggests that this variant is likely to be disruptive. In summary, the available evidence is currently insufficient to determine the role of this variant in disease. Therefore, it has been classified as a Variant of Uncertain Significance.